The following is an entry in ClinVar:

NM_001042492.3(NF1):c.366C>G (p.His122Gln)

Gene: NF1 (neurofibromin 1; plus strand). Cytogenetic location: 17q11.2.
Variant type: single nucleotide variant.
Coding change: c.366C>G on transcript NM_001042492.3 (MANE Select); coding-DNA position 366, C replaced by G.
Protein change: p.His122Gln; replaces histidine 122 with glutamine.
Molecular consequence: missense variant.
Genome position (GRCh38, 1-based): chr17:31,163,263, C>G. VCF-style: chr17-31163263-C-G. GRCh37 (hg19) VCF-style: chr17-29490281-C-G.
Other names: c.366C>G, p.His122Gln (NM_000267.4, NM_001128147.3); short protein forms H122Q.
Identifiers: ClinVar variation 851999 (VCV000851999.6), dbSNP rs138952888, ClinGen allele CA398981799.

ClinVar aggregate classification (germline): Uncertain significance (1 of 4 stars; one submission).

Conditions:
Neurofibromatosis, type 1 (NF1). Also called: Neurofibromatosis, type I; VON RECKLINGHAUSEN DISEASE; Peripheral type neurofibromatosis; NEUROFIBROMATOSIS, TYPE I, SOMATIC. Identifiers: Orphanet 636, MedGen C0027831, MONDO:0018975, OMIM 162200. Disease mechanism: loss of function.

Submission:

Labcorp Genetics (formerly Invitae), Labcorp
Classification: Uncertain significance for Neurofibromatosis, type 1. Last evaluated: 2019-03-25. Review status: criteria provided, single submitter. Criteria: Invitae Variant Classification Sherloc (09022015). Collection method: clinical testing. Allele origin: germline.
Comment: This variant is not present in population databases (ExAC no frequency). This sequence change replaces histidine with glutamine at codon 122 of the NF1 protein (p.His122Gln). The histidine residue is highly conserved and there is a small physicochemical difference between histidine and glutamine. This variant has not been reported in the literature in individuals with NF1-related conditions. In summary, the available evidence is currently insufficient to determine the role of this variant in disease. Therefore, it has been classified as a Variant of Uncertain Significance. Algorithms developed to predict the effect of sequence changes on RNA splicing suggest that this variant may create or strengthen a splice site, but this prediction has not been confirmed by published transcriptional studies. Algorithms developed to predict the effect of missense changes on protein structure and function are either unavailable or do not agree on the potential impact of this missense change (SIFT: "Deleterious"; PolyPhen-2: "Probably Damaging"; Align-GVGD: "Class C0").